The following is an entry in ClinVar:

NM_001379500.1(COL18A1):c.118G>A (p.Glu40Lys)

Gene: COL18A1 (collagen type XVIII alpha 1 chain; plus strand). Cytogenetic location: 21q22.3.
Variant type: single nucleotide variant.
Coding change: c.118G>A on transcript NM_001379500.1 (MANE Select); coding-DNA position 118, G replaced by A.
Protein change: p.Glu40Lys; replaces glutamic acid 40 with lysine.
Molecular consequence: missense variant.
Genome position (GRCh38, 1-based): chr21:45,468,253, G>A. VCF-style: chr21-45468253-G-A. GRCh37 (hg19) VCF-style: chr21-46888167-G-A.
Other names: NM_130445.2:c.118G>A; c.658G>A, p.Glu220Lys (NM_030582.4); c.1363G>A, p.Glu455Lys (NM_130444.3); short protein forms E220K, E40K, E455K.
Identifiers: ClinVar variation 1899540 (VCV001899540.3), dbSNP rs375719577, ClinGen allele CA10065680.

ClinVar aggregate classification (germline): Uncertain significance. Review status: criteria provided, multiple submitters, no conflicts (2 of 4 stars). 2 submissions from 2 submitters: Uncertain significance (2). Last evaluated 2024-05-30.

Conditions:
Inborn genetic diseases. Identifiers: MedGen C0950123, MeSH D030342.

Allele frequency attached by ClinVar (database versions not stated): TOPMed 0.00003; gnomAD 0.00005; gnomAD exomes 0.00005; ESP Exome Variant Server 0.00008; ExAC 0.00012; 1000 Genomes Project 0.00060; 1000 Genomes Project 30x 0.00062.
gnomAD v4.1: 84 of 1,613,036 alleles (0.0052%); highest among the groups gnomAD compares: Middle Eastern, 0.083%; no homozygotes.

Submissions (2):

Ambry Genetics
Classification: Uncertain significance for Inborn genetic diseases. Last evaluated: 2024-05-30. Review status: criteria provided, single submitter. Criteria: Ambry Variant Classification Scheme 2023. Collection method: clinical testing. Allele origin: germline.

Labcorp Genetics (formerly Invitae), Labcorp
Classification: Uncertain significance. Last evaluated: 2022-08-03. Review status: criteria provided, single submitter. Criteria: Invitae Variant Classification Sherloc (09022015). Collection method: clinical testing. Allele origin: germline.
Comment: This sequence change replaces glutamic acid, which is acidic and polar, with lysine, which is basic and polar, at codon 40 of the COL18A1 protein (p.Glu40Lys). This variant is present in population databases (rs375719577, gnomAD 0.01%). This variant has not been reported in the literature in individuals affected with COL18A1-related conditions. Experimental studies and prediction algorithms are not available or were not evaluated, and the functional significance of this variant is currently unknown. In summary, the available evidence is currently insufficient to determine the role of this variant in disease. Therefore, it has been classified as a Variant of Uncertain Significance.